The following is an entry in ClinVar:

ClinVar aggregate classification (germline): Pathogenic (1 of 4 stars; one submission).

Conditions:
Immunodeficiency 31B. Also called: IMMUNODEFICIENCY 31B, MYCOBACTERIAL AND VIRAL INFECTIONS, AUTOSOMAL RECESSIVE; STAT1 DEFICIENCY, AUTOSOMAL RECESSIVE. Identifiers: Orphanet 391311, MedGen C3151088, MONDO:0013427, OMIM 613796.
Mendelian susceptibility to mycobacterial diseases due to partial STAT1 deficiency. Also called: IMMUNODEFICIENCY 31A, MYCOBACTERIOSIS, AUTOSOMAL DOMINANT; STAT1 DEFICIENCY, AUTOSOMAL DOMINANT; Immunodeficiency 31a. Identifiers: Orphanet 319595, MedGen C4013950, MONDO:0013956, OMIM 614892.
Autoimmune enteropathy and endocrinopathy - susceptibility to chronic infections syndrome. Also called: Immunodeficiency 31C; Immunodeficiency 31C, autosomal dominant. Identifiers: Orphanet 391487, MedGen C3279990, MONDO:0013599, OMIM 614162.

Submission:

Labcorp Genetics (formerly Invitae), Labcorp
Classification: Pathogenic for Mendelian susceptibility to mycobacterial diseases due to partial STAT1 deficiency; Immunodeficiency 31B; Autoimmune enteropathy and endocrinopathy - susceptibility to chronic infections syndrome. Last evaluated: 2025-03-18. Review status: criteria provided, single submitter. Criteria: Invitae Variant Classification Sherloc (09022015). Collection method: clinical testing. Allele origin: germline.
Comment: This sequence change creates a premature translational stop signal (p.Asp257Valfs*9) in the STAT1 gene. It is expected to result in an absent or disrupted protein product. Loss-of-function variants in STAT1 are known to be pathogenic (PMID: 22651901). This variant is not present in population databases (gnomAD no frequency). This variant has not been reported in the literature in individuals affected with STAT1-related conditions. For these reasons, this variant has been classified as Pathogenic.

Literature cited by the submitters: PubMed 22651901.

NM_007315.4(STAT1):c.770del (p.Asp257fs)

Gene: STAT1 (signal transducer and activator of transcription 1; minus strand). Cytogenetic location: 2q32.2.
Variant type: Deletion.
Coding change: c.770del on transcript NM_007315.4 (MANE Select); coding-DNA position 770, one base deleted (A; older notation c.770delA).
Protein change: p.Asp257fs; shifts the reading frame from aspartic acid 257.
Molecular consequence: frameshift variant.
Genome position (GRCh38, 1-based): chr2:190,997,871, T deleted on the plus strand (A on the coding strand, the reverse complement: STAT1 is on the minus strand). VCF-style (leftmost placement, unchanged base first): chr2-190997870-AT-A. GRCh37 (hg19) VCF-style: chr2-191862596-AT-A.
Other names: c.776del, p.Asp259fs (NM_001384881.1, NM_001384884.1); c.770del, p.Asp257fs (NM_001384882.1, NM_001384885.1, NM_001384886.1 and 5 more transcripts); c.671del, p.Asp224fs (NM_001384883.1); c.680del, p.Asp227fs (NM_001384890.1); c.806del, p.Asp269fs (NM_001384891.1); short protein forms D224fs, D227fs, D257fs, D259fs, D269fs.
Identifiers: ClinVar variation 3757694 (VCV003757694.2).
Genomic context (GRCh38, chr2:190,997,870, plus strand): 5'-GTGGTTAGCCAGTCAGCTGCCAGTTTTCTGCTTTGGAGAATCTTACCAGTTCTGCAGCTG[AT>A]CCAAGCAAGCATTGGGCGGCCCCCCAATACAGGCGCTCTGCTGTCTCCGCTTCCACTCCA-3'